The following is an entry in ClinVar:

ClinVar aggregate classification (germline): Uncertain significance (1 of 4 stars; one submission).

Conditions:
Beckwith-Wiedemann syndrome (BWS). Also called: Exomphalos macroglossia gigantism syndrome; EMG SYNDROME. Identifiers: Orphanet 116, MedGen C0004903, MONDO:0007534, OMIM 130650.

Submission:

Labcorp Genetics (formerly Invitae), Labcorp
Classification: Uncertain significance for Beckwith-Wiedemann syndrome. Last evaluated: 2023-09-06. Review status: criteria provided, single submitter. Criteria: Invitae Variant Classification Sherloc (09022015). Collection method: clinical testing. Allele origin: germline.
Comment: ClinVar contains an entry for this variant (Variation ID: 1903627). This variant has not been reported in the literature in individuals affected with CDKN1C-related conditions. This variant is not present in population databases (gnomAD no frequency). This sequence change replaces proline, which is neutral and non-polar, with arginine, which is basic and polar, at codon 292 of the CDKN1C protein (p.Pro292Arg). Advanced modeling of protein sequence and biophysical properties (such as structural, functional, and spatial information, amino acid conservation, physicochemical variation, residue mobility, and thermodynamic stability) performed at Invitae indicates that this missense variant is not expected to disrupt CDKN1C protein function. In summary, the available evidence is currently insufficient to determine the role of this variant in disease. Therefore, it has been classified as a Variant of Uncertain Significance.

NM_001122630.2(CDKN1C):c.842C>G (p.Pro281Arg)

Gene: CDKN1C (cyclin dependent kinase inhibitor 1C; minus strand). Cytogenetic location: 11p15.4.
Variant type: single nucleotide variant.
Coding change: c.842C>G on transcript NM_001122630.2 (MANE Select); coding-DNA position 842, C replaced by G.
Protein change: p.Pro281Arg; replaces proline 281 with arginine.
Molecular consequence: missense variant.
Genome position (GRCh38, 1-based): chr11:2,884,080, G>C on the plus strand (C>G on the coding strand, the complement: CDKN1C is on the minus strand). VCF-style: chr11-2884080-G-C. GRCh37 (hg19) VCF-style: chr11-2905310-G-C.
Other names: c.875C>G, p.Pro292Arg (NM_000076.2, NM_001362474.2); c.842C>G, p.Pro281Arg (NM_001122631.2); c.310C>G, p.Pro104Ala (NM_001362475.2); short protein forms P281R, P104A, P292R.
Identifiers: ClinVar variation 1903627 (VCV001903627.5), dbSNP rs1317648965, ClinGen allele CA379144933.